The following is an entry in ClinVar:

ClinVar aggregate classification (germline): Pathogenic/Likely pathogenic. Review status: criteria provided, multiple submitters, no conflicts (2 of 4 stars). 2 submissions from 2 submitters: Pathogenic (1); Likely pathogenic (1). Last evaluated 2024-08-02.

Conditions:
Ataxia-telangiectasia syndrome (AT). Also called: LOUIS-BAR SYNDROME; Cerebello-oculocutaneous telangiectasia; Immunodeficiency with ataxia telangiectasia; ATAXIA-TELANGIECTASIA, COMPLEMENTATION GROUP A; ATAXIA-TELANGIECTASIA, FRESNO VARIANT; Ataxia-telangiectasia, complementation group D. Identifiers: Orphanet 100, MedGen C0004135, MONDO:0008840, OMIM 208900.
Familial cancer of breast. Also called: hereditary breast carcinoma; BREAST CANCER, FAMILIAL; Hereditary breast cancer. Identifiers: Orphanet 227535, MedGen C0346153, MONDO:0016419, OMIM 114480. Disease mechanism: loss of function.

Submissions (2):

Labcorp Genetics (formerly Invitae), Labcorp
Classification: Pathogenic for Ataxia-telangiectasia syndrome. Last evaluated: 2024-08-02. Review status: criteria provided, single submitter. Criteria: Invitae Variant Classification Sherloc (09022015). Collection method: clinical testing. Allele origin: germline.
Comment: This sequence change creates a premature translational stop signal (p.Glu223Lysfs*7) in the ATM gene. It is expected to result in an absent or disrupted protein product. Loss-of-function variants in ATM are known to be pathogenic (PMID: 23807571, 25614872). This variant is not present in population databases (gnomAD no frequency). This variant has not been reported in the literature in individuals affected with ATM-related conditions. ClinVar contains an entry for this variant (Variation ID: 1419502). For these reasons, this variant has been classified as Pathogenic.

Baylor Genetics
Classification: Likely pathogenic for Familial cancer of breast. Last evaluated: 2023-02-21. Review status: criteria provided, single submitter. Criteria: ACMG Guidelines, 2015. Collection method: clinical testing. Allele origin: unknown.

Literature cited by the submitters: PubMed 23807571 (cited by Labcorp Genetics (formerly Invitae), Labcorp); PubMed 25614872 (cited by Labcorp Genetics (formerly Invitae), Labcorp).

NM_000051.4(ATM):c.666del (p.Glu223fs)

Gene: ATM (ATM serine/threonine kinase; plus strand). Cytogenetic location: 11q22.3.
Variant type: Deletion.
Coding change: c.666del on transcript NM_000051.4 (MANE Select); coding-DNA position 666, one base deleted (A; older notation c.666delA).
Protein change: p.Glu223fs; shifts the reading frame from glutamic acid 223.
Molecular consequence: frameshift variant.
Genome position (GRCh38, 1-based): chr11:108,244,791, A deleted; the last of 2 consecutive A bases (chr11:108,244,790-108,244,791); deleting either gives the same sequence. VCF-style (leftmost placement, unchanged base first): chr11-108244789-CA-C. GRCh37 (hg19) VCF-style: chr11-108115516-CA-C.
Other names: c.666del, p.Glu223fs (NM_001351834.2); short protein forms E223fs.
Identifiers: ClinVar variation 1419502 (VCV001419502.7), dbSNP rs2135236778, ClinGen allele CA2573146455.